The following is an entry in ClinVar:

NM_182961.4(SYNE1):c.5666A>C (p.Gln1889Pro)

Gene: SYNE1 (spectrin repeat containing nuclear envelope protein 1; minus strand). Cytogenetic location: 6q25.2.
Variant type: single nucleotide variant.
Coding change: c.5666A>C on transcript NM_182961.4 (MANE Select); coding-DNA position 5666, A replaced by C.
Protein change: p.Gln1889Pro; replaces glutamine 1889 with proline.
Molecular consequence: missense variant.
Genome position (GRCh38, 1-based): chr6:152,416,771, T>G on the plus strand (A>C on the coding strand, the complement: SYNE1 is on the minus strand). VCF-style: chr6-152416771-T-G. GRCh37 (hg19) VCF-style: chr6-152737906-T-G.
Other names: c.5687A>C, p.Gln1896Pro (NM_033071.5); short protein forms Q1889P, Q1896P.
Identifiers: ClinVar variation 907657 (VCV000907657.4), dbSNP rs779600835, ClinGen allele CA4058230.
Genomic context (GRCh38, chr6:152,416,771, plus strand): 5'-AGGTCCTTTTCTATCAAATCAGACTCGTTCTTATTCATACTGTTGGTTGCTTCCACTGTT[T>G]GCCTCAGCTGGCGGAGAATGCCGGACAGAGAGGCATGGCTCTGGAGGAATTCTGCCAAAT-3'
Protein context (NP_892006.3, residues 1879-1899): SLSGILRQLR[Gln1889Pro]TVEATNSMNK

ClinVar aggregate classification (germline): Conflicting classifications of pathogenicity. Review status: criteria provided, conflicting classifications (1 of 4 stars). 2 submissions from 1 submitter: Uncertain significance (1); Likely benign (1). Last evaluated 2018-01-13.

Conditions:
Emery-Dreifuss muscular dystrophy 4, autosomal dominant (EDMD4). Also called: EMERY-DREIFUSS MUSCULAR DYSTROPHY 4 WITH VARIABLE FEATURES. Identifiers: Orphanet 261, MedGen C2751807, MONDO:0013071, OMIM 612998.
Autosomal recessive ataxia, Beauce type. Also called: ATAXIA, RECESSIVE, OF BEAUCE; SYNE1 Deficiency; SYNE1-Related Autosomal Recessive Cerebellar Ataxia; Spinocerebellar ataxia, autosomal recessive 8. Identifiers: Orphanet 88644, MedGen C1853116, MONDO:0012549, OMIM 610743.

Allele frequency attached by ClinVar (database versions not stated): TOPMed 0.00001; gnomAD exomes 0.00002 and 0.00005; ExAC 0.00004.
gnomAD v4.1: 32 of 1,614,254 alleles (0.002%); highest among the groups gnomAD compares: East Asian, 0.071%; no homozygotes.

Submissions (2):

Illumina Laboratory Services, Illumina
Classification: Likely benign for Emery-Dreifuss muscular dystrophy 4, autosomal dominant. Last evaluated: 2018-01-13. Review status: criteria provided, single submitter. Criteria: ICSL Variant Classification Criteria 13 December 2019. Collection method: clinical testing. Allele origin: germline.
Comment: This variant was observed in the ICSL laboratory as part of a predisposition screen in an ostensibly healthy population. It had not been previously curated by ICSL or reported in the Human Gene Mutation Database (HGMD: prior to June 1st, 2018), and was therefore a candidate for classification through an automated scoring system. Utilizing variant allele frequency, disease prevalence and penetrance estimates, and inheritance mode, an automated score was calculated to assess if this variant is too frequent to cause the disease. Based on the score and internal cut-off values, a variant classified as likely benign is not then subjected to further curation. The score for this variant resulted in a classification of likely benign for this disease.

Illumina Laboratory Services, Illumina
Classification: Uncertain significance for Autosomal recessive ataxia, Beauce type. Last evaluated: 2018-01-13. Review status: criteria provided, single submitter. Criteria: ICSL Variant Classification Criteria 13 December 2019. Collection method: clinical testing. Allele origin: germline.